The following is an entry in ClinVar:

NM_001303052.2(MYT1L):c.3080+8343G>A

Gene: MYT1L (myelin transcription factor 1 like; minus strand). Cytogenetic location: 2p25.3.
Variant type: single nucleotide variant.
Coding change: c.3080+8343G>A on transcript NM_001303052.2 (MANE Select); 8343 bases into the intron after coding-DNA position 3080, G replaced by A.
Molecular consequence: intron variant.
Genome position (GRCh38, 1-based): chr2:1,830,806, C>T on the plus strand (G>A on the coding strand, the complement: MYT1L is on the minus strand). VCF-style: chr2-1830806-C-T. GRCh37 (hg19) VCF-style: chr2-1834578-C-T.
Other names: c.3074+8343G>A (NM_015025.4, NM_001329847.2, NM_001329848.1 and 3 more transcripts); c.3080+8343G>A (NM_001329844.2, NM_001329845.1, NM_001329851.3).
Identifiers: ClinVar variation 1335373 (VCV001335373.35), dbSNP rs1346976183, ClinGen allele CA530408429.
Genomic context (GRCh38, chr2:1,830,806, plus strand): 5'-GGAGTCCTTCCCTCAGGAGCCTCTTCCCTGGGCCTAGGGGAACTGTGGAGTGTGCCTTCT[C>T]GCTCTGTCCTCGCCTGCTGGCTGGCTGCGGCCTCCCTCACAGGATCCTCCAAATTCCACA-3'

ClinVar aggregate classification (germline): Likely benign (1 of 4 stars; one submission).

Allele frequency attached by ClinVar (database versions not stated): gnomAD 0.00005.
gnomAD v4.1: 6 of 117,088 alleles (0.0051%); highest among the groups gnomAD compares: East Asian, 0.036%; no homozygotes.

Submission:

CeGaT Center for Human Genetics Tuebingen
Classification: Likely benign. Last evaluated: 2026-01-01. Review status: criteria provided, single submitter. Criteria: CeGaT Center For Human Genetics Tuebingen Variant Classification Criteria Version 2. Collection method: clinical testing. Allele origin: germline. Affected: yes. Observed: 2 variant alleles.
Comment: MYT1L: BP4, BP7